The following is an entry in ClinVar:

ClinVar aggregate classification (germline): Likely benign (0 of 4 stars; one submission).

Conditions:
HS6ST1-related disorder. Also called: HS6ST1-related condition.

Allele frequency attached by ClinVar (database versions not stated): gnomAD exomes below 0.00001; TOPMed below 0.00001; gnomAD 0.00001; 1000 Genomes Project 30x 0.00016; 1000 Genomes Project 0.00020.
gnomAD v4.1: 8 of 1,532,008 alleles (0.00052%); highest among the groups gnomAD compares: East Asian, 0.017%; no homozygotes.

Submission:

PreventionGenetics, part of Exact Sciences
Classification: Likely benign for HS6ST1-related condition. Last evaluated: 2020-04-02. Review status: no assertion criteria provided. Collection method: clinical testing. Allele origin: germline.
Comment: This variant is classified as likely benign based on ACMG/AMP sequence variant interpretation guidelines (Richards et al. 2015 PMID: 25741868, with internal and published modifications).

NM_004807.3(HS6ST1):c.405T>A (p.Thr135=)

Gene: HS6ST1 (heparan sulfate 6-O-sulfotransferase 1; minus strand). Cytogenetic location: 2q14.3.
Variant type: single nucleotide variant.
Coding change: c.405T>A on transcript NM_004807.3 (MANE Select); coding-DNA position 405, T replaced by A.
Protein change: p.Thr135=; no amino-acid change (threonine 135 retained).
Molecular consequence: synonymous variant.
Genome position (GRCh38, 1-based): chr2:128,318,159, A>T on the plus strand (T>A on the coding strand, the complement: HS6ST1 is on the minus strand). VCF-style: chr2-128318159-A-T. GRCh37 (hg19) VCF-style: chr2-129075733-A-T.
Identifiers: ClinVar variation 3055084 (VCV003055084.2), dbSNP rs543138462, ClinGen allele CA56010893.